The following is an entry in ClinVar:

ClinVar aggregate classification (germline): Conflicting classifications of pathogenicity. Review status: criteria provided, conflicting classifications (1 of 4 stars). 6 submissions from 6 submitters: Uncertain significance (5); Likely benign (1). Last evaluated 2025-10-02.

Conditions:
Thyrotoxic periodic paralysis, susceptibility to, 1 (TTPP1). Identifiers: Orphanet 79102, MedGen C2749982, MONDO:0008570, OMIM 188580.
Hypokalemic periodic paralysis, type 1. Also called: Hypokalemic Periodic Paralysis Type 1 (AD); HypoPP. Identifiers: Orphanet 681, MedGen C3714580, MONDO:0042979, OMIM 170400.
Malignant hyperthermia, susceptibility to, 5 (MHS5). Also called: CACNA1S-Related Malignant Hyperthermia Susceptibility. Identifiers: Orphanet 423, MedGen C1866077, MONDO:0011163, OMIM 601887.
Inborn genetic diseases. Identifiers: MedGen C0950123, MeSH D030342.

Allele frequency attached by ClinVar (database versions not stated): ExAC 0.00001; gnomAD exomes 0.00002; gnomAD 0.00003; TOPMed 0.00004.
gnomAD v4.1: 29 of 1,613,896 alleles (0.0018%); highest among the groups gnomAD compares: Middle Eastern, 0.016%; no homozygotes.

Submissions (6):

Labcorp Genetics (formerly Invitae), Labcorp
Classification: Likely benign for Hypokalemic periodic paralysis, type 1; Malignant hyperthermia, susceptibility to, 5. Last evaluated: 2025-10-02. Review status: criteria provided, single submitter. Criteria: Invitae Variant Classification Sherloc (09022015). Collection method: clinical testing. Allele origin: germline.

GeneDx
Classification: Uncertain significance. Last evaluated: 2024-10-23. Review status: criteria provided, single submitter. Criteria: GeneDx Variant Classification Process June 2021. Collection method: clinical testing. Allele origin: germline. Affected: yes.
Comment: Not observed at significant frequency in large population cohorts (gnomAD); In silico analysis indicates that this missense variant does not alter protein structure/function; Has not been previously published as pathogenic or benign to our knowledge

All of Us Research Program, National Institutes of Health
Classification: Uncertain significance for Malignant hyperthermia, susceptibility to, 5. Last evaluated: 2024-02-05. Review status: criteria provided, single submitter. Criteria: ACMG Guidelines, 2015. Collection method: clinical testing. Allele origin: germline. Inheritance: Autosomal dominant inheritance. Observed: 5 variant alleles, 5 heterozygotes.
Comment: This missense variant replaces valine with methionine at codon 137 of the CACNA1S protein. Computational prediction suggests that this variant may not impact protein structure and function (internally defined REVEL score threshold <= 0.5, PMID: 27666373). To our knowledge, functional studies have not been reported for this variant. This variant has not been reported in individuals affected with CACNA1S-related disorders in the literature. This variant has been identified in 5/282824 chromosomes in the general population by the Genome Aggregation Database (gnomAD). The available evidence is insufficient to determine the role of this variant in disease conclusively. Therefore, this variant is classified as a Variant of Uncertain Significance.

This study involves interpretation of variants in research participants for the purpose of population health screening. Participant phenotype was not available at the time of variant classification. Additional details can be found in publication PMID: 35346344, PMCID: PMC8962531

Ambry Genetics
Classification: Uncertain significance for Inborn genetic diseases. Last evaluated: 2024-01-02. Review status: criteria provided, single submitter. Criteria: Ambry Variant Classification Scheme 2023. Collection method: clinical testing. Allele origin: germline.

Color Diagnostics, LLC DBA Color Health
Classification: Uncertain significance for Malignant hyperthermia, susceptibility to, 5. Last evaluated: 2023-11-22. Review status: criteria provided, single submitter. Criteria: ACMG Guidelines, 2015. Collection method: clinical testing. Allele origin: germline.
Comment: This missense variant replaces valine with methionine at codon 137 of the CACNA1S protein. Computational prediction suggests that this variant may not impact protein structure and function. To our knowledge, functional studies have not been reported for this variant. This variant has not been reported in individuals affected with CACNA1S-related disorders in the literature. This variant has been identified in 5/282824 chromosomes in the general population by the Genome Aggregation Database (gnomAD). The available evidence is insufficient to determine the role of this variant in disease conclusively. Therefore, this variant is classified as a Variant of Uncertain Significance.

Fulgent Genetics
Classification: Uncertain significance for Hypokalemic periodic paralysis, type 1; Thyrotoxic periodic paralysis, susceptibility to, 1; Malignant hyperthermia, susceptibility to, 5. Last evaluated: 2021-11-30. Review status: criteria provided, single submitter. Criteria: ACMG Guidelines, 2015. Collection method: clinical testing. Allele origin: unknown.

NM_000069.3(CACNA1S):c.409G>A (p.Val137Met)

Gene: CACNA1S (calcium voltage-gated channel subunit alpha1 S; minus strand). Cytogenetic location: 1q32.1.
Variant type: single nucleotide variant.
Coding change: c.409G>A on transcript NM_000069.3 (MANE Select); coding-DNA position 409, G replaced by A.
Protein change: p.Val137Met; replaces valine 137 with methionine.
Molecular consequence: missense variant.
Genome position (GRCh38, 1-based): chr1:201,092,104, C>T on the plus strand (G>A on the coding strand, the complement: CACNA1S is on the minus strand). VCF-style: chr1-201092104-C-T. GRCh37 (hg19) VCF-style: chr1-201061232-C-T.
Other names: short protein forms V137M.
Identifiers: ClinVar variation 852653 (VCV000852653.12), dbSNP rs753195502, ClinGen allele CA083079.